The following is an entry in ClinVar:

ClinVar aggregate classification (germline): Pathogenic (1 of 4 stars; one submission).

Conditions:
Severe myoclonic epilepsy in infancy (DRVT). Also called: Epileptic encephalopathy, early infantile, 6 (Dravet syndrome); SEVERE MYOCLONIC EPILEPSY OF INFANCY; DEVELOPMENTAL AND EPILEPTIC ENCEPHALOPATHY 6A; Severe Myoclonic Epilepsy in Infancy (SMEI); Dravet syndrome. Identifiers: Orphanet 33069, MedGen C0751122, MONDO:0100135, OMIM 607208.

Submission:

Labcorp Genetics (formerly Invitae), Labcorp
Classification: Pathogenic for Severe myoclonic epilepsy in infancy. Last evaluated: 2021-11-10. Review status: criteria provided, single submitter. Criteria: Invitae Variant Classification Sherloc (09022015). Collection method: clinical testing. Allele origin: germline.
Comment: This variant is not present in population databases (gnomAD no frequency). This sequence change creates a premature translational stop signal (p.His326Glnfs*6) in the SNX27 gene. It is expected to result in an absent or disrupted protein product. Loss-of-function variants in SNX27 are known to be pathogenic (PMID: 25894286). This variant has not been reported in the literature in individuals affected with SNX27-related conditions. For these reasons, this variant has been classified as Pathogenic.

Literature cited by the submitters: PubMed 25894286.

NM_001330723.2(SNX27):c.977dup (p.His326fs)

Gene: SNX27 (sorting nexin 27; plus strand). Cytogenetic location: 1q21.3.
Variant type: Duplication.
Coding change: c.977dup on transcript NM_001330723.2 (MANE Select); coding-DNA position 977, one base duplicated (A; older notation c.977dupA).
Protein change: p.His326fs; shifts the reading frame from histidine 326.
Molecular consequence: frameshift variant.
Genome position (GRCh38, 1-based): chr1:151,666,003, A duplicated. VCF-style (leftmost placement, unchanged base first): chr1-151666002-C-CA. GRCh37 (hg19) VCF-style: chr1-151638478-C-CA.
Other names: c.977dup, p.His326fs (NM_030918.6); short protein forms H326fs.
Identifiers: ClinVar variation 1445084 (VCV001445084.6), dbSNP rs2102690228, ClinGen allele CA2573131097.
Genomic context (GRCh38, chr1:151,666,002, plus strand): 5'-GCAAAGGTTGGCATGGACAGTACGACAGTGAATTACTTTGCCTTATTTGAAGTGATCAGT[C>CA]ACTCCTTTGGTAAGTACCAGTGGCTGATACTAAGTTTTGTTTTCTAATACTATGAGAAAG-3'